The following is an entry in ClinVar:

NM_000435.3(NOTCH3):c.5914-3C>T

Gene: NOTCH3 (notch receptor 3; minus strand). Cytogenetic location: 19p13.12.
Variant type: single nucleotide variant.
Coding change: c.5914-3C>T on transcript NM_000435.3 (MANE Select); 3 bases into the intron before coding-DNA position 5914, C replaced by T.
Molecular consequence: intron variant.
Genome position (GRCh38, 1-based): chr19:15,161,717, G>A on the plus strand (C>T on the coding strand, the complement: NOTCH3 is on the minus strand). VCF-style: chr19-15161717-G-A. GRCh37 (hg19) VCF-style: chr19-15272528-G-A.
Identifiers: ClinVar variation 3571953 (VCV003571953.1).

ClinVar aggregate classification (germline): Uncertain significance (1 of 4 stars; one submission).

Submission:

Athena Diagnostics
Classification: Uncertain significance. Last evaluated: 2024-06-20. Review status: criteria provided, single submitter. Criteria: Athena Diagnostics Criteria. Collection method: clinical testing. Allele origin: unknown.
Comment: Available data are insufficient to determine the clinical significance of the variant at this time. The frequency of this variant in the general population is uninformative in assessment of its pathogenicity. Computational tools yielded predictions that this variant is unlikely to have an effect on normal RNA splicing. Greater than 90% of NOTCH3 pathogenic variants associated with CADASIL involve the gain or loss of a cysteine residue within the epidermal growth factor (EGF)-like repeat domain (PMID: 32457593, 20301673).